The following is an entry in ClinVar:

ClinVar aggregate classification (germline): Uncertain significance (1 of 4 stars; one submission).

Allele frequency attached by ClinVar (database versions not stated): gnomAD exomes below 0.00001; ExAC 0.00001; gnomAD 0.00001; 1000 Genomes Project 30x 0.00016; 1000 Genomes Project 0.00020.
gnomAD v4.1: 3 of 1,614,142 alleles (0.00019%); highest among the groups gnomAD compares: East Asian, 0.0045%; no homozygotes.

Submission:

Labcorp Genetics (formerly Invitae), Labcorp
Classification: Uncertain significance. Last evaluated: 2024-02-17. Review status: criteria provided, single submitter. Criteria: Invitae Variant Classification Sherloc (09022015). Collection method: clinical testing. Allele origin: germline.
Comment: This sequence change replaces glutamine, which is neutral and polar, with glutamic acid, which is acidic and polar, at codon 515 of the DENND5A protein (p.Gln515Glu). This variant is present in population databases (rs535381630, gnomAD 0.006%). This variant has not been reported in the literature in individuals affected with DENND5A-related conditions. ClinVar contains an entry for this variant (Variation ID: 2192214). Advanced modeling of protein sequence and biophysical properties (such as structural, functional, and spatial information, amino acid conservation, physicochemical variation, residue mobility, and thermodynamic stability) performed at Invitae indicates that this missense variant is not expected to disrupt DENND5A protein function with a negative predictive value of 80%. In summary, the available evidence is currently insufficient to determine the role of this variant in disease. Therefore, it has been classified as a Variant of Uncertain Significance.

NM_015213.4(DENND5A):c.1543C>G (p.Gln515Glu)

Gene: DENND5A (DENN domain containing 5A; minus strand). Cytogenetic location: 11p15.4.
Variant type: single nucleotide variant.
Coding change: c.1543C>G on transcript NM_015213.4 (MANE Select); coding-DNA position 1543, C replaced by G.
Protein change: p.Gln515Glu; replaces glutamine 515 with glutamic acid.
Molecular consequence: missense variant. On other transcripts: non-coding transcript variant (1).
Genome position (GRCh38, 1-based): chr11:9,178,986, G>C on the plus strand (C>G on the coding strand, the complement: DENND5A is on the minus strand). VCF-style: chr11-9178986-G-C. GRCh37 (hg19) VCF-style: chr11-9200533-G-C.
Other names: c.1543C>G, p.Gln515Glu (NM_001243254.2, NM_001348748.1); c.1471C>G, p.Gln491Glu (NM_001348749.2); c.1255C>G, p.Gln419Glu (NM_001348750.2); short protein forms Q419E, Q515E, Q491E.
Identifiers: ClinVar variation 2192214 (VCV002192214.4), dbSNP rs535381630, ClinGen allele CA5877567.